The following is an entry in ClinVar:

ClinVar aggregate classification (germline): Uncertain significance (1 of 4 stars; one submission).

Submission:

Greenwood Genetic Center Diagnostic Laboratories, Greenwood Genetic Center
Classification: Uncertain significance. Last evaluated: 2024-12-19. Review status: criteria provided, single submitter. Criteria: ACMG Guidelines, 2015. Collection method: clinical testing. Allele origin: germline. Affected: yes.
Comment: Gene of Uncertain Significance

NM_001251845.2(TRPC1):c.1610T>G (p.Phe537Cys)

Gene: TRPC1 (transient receptor potential cation channel subfamily C member 1; plus strand). Cytogenetic location: 3q23.
Variant type: single nucleotide variant.
Coding change: c.1610T>G on transcript NM_001251845.2 (MANE Select); coding-DNA position 1610, T replaced by G.
Protein change: p.Phe537Cys; replaces phenylalanine 537 with cysteine.
Molecular consequence: missense variant.
Genome position (GRCh38, 1-based): chr3:142,802,197, T>G. VCF-style: chr3-142802197-T-G. GRCh37 (hg19) VCF-style: chr3-142521039-T-G.
Other names: c.1460T>G, p.Phe487Cys (NM_001413361.1); c.1376T>G, p.Phe459Cys (NM_001413362.1); c.1364T>G, p.Phe455Cys (NM_001413363.1); c.1316T>G, p.Phe439Cys (NM_001413375.1); c.1358T>G, p.Phe453Cys (NM_001413376.1); c.1214T>G, p.Phe405Cys (NM_001413377.1); c.1172T>G, p.Phe391Cys (NM_001413378.1); c.1070T>G, p.Phe357Cys (NM_001413379.1); and 8 more; short protein forms F114C, F162C, F198C, F21C, F296C, F313C, F357C, F391C.
Identifiers: ClinVar variation 3765839 (VCV003765839.1).
Genomic context (GRCh38, chr3:142,802,197, plus strand): 5'-CTTAATGAACACCTGTGTAATATATTCCACAGATTTCAATGGGACAGATGTTACAAGATT[T>G]TGGAAAATTTCTTGGGATGTTTCTTCTTGTTTTGTTTTCTTTCACAATTGGACTGACACA-3'
Protein context (NP_001238774.1, residues 527-547): QISMGQMLQD[Phe537Cys]GKFLGMFLLV